The following is an entry in ClinVar:

NM_000712.4(BLVRA):c.577C>T (p.Arg193Ter)

Gene: BLVRA (biliverdin reductase A; plus strand). Cytogenetic location: 7p13.
Variant type: single nucleotide variant.
Coding change: c.577C>T on transcript NM_000712.4 (MANE Select); coding-DNA position 577, C replaced by T.
Protein change: p.Arg193Ter; replaces arginine 193 with a stop codon.
Molecular consequence: nonsense.
Genome position (GRCh38, 1-based): chr7:43,803,792, C>T. VCF-style: chr7-43803792-C-T. GRCh37 (hg19) VCF-style: chr7-43843391-C-T.
Other names: c.577C>T, p.Arg193Ter (NM_001253823.2); short protein forms R193*.
Identifiers: ClinVar variation 4845899 (VCV004845899.1).

ClinVar aggregate classification (germline): Likely pathogenic (1 of 4 stars; one submission).

Conditions:
Hyperbiliverdinemia (HBLVD). Also called: GREEN JAUNDICE. Identifiers: Orphanet 276405, MedGen C3279964, MONDO:0013595, OMIM 614156.

Submission:

First Genomix Gene Laboratory, Genetic Diagnostics Department
Classification: Likely pathogenic for Hyperbiliverdinemia. Last evaluated: 2025-05-02. Review status: criteria provided, single submitter. Criteria: ACMG Guidelines, 2015. Collection method: clinical testing. Allele origin: germline. Inheritance: Autosomal recessive inheritance. Affected: no. Observed: 1 variant allele.